The following is an entry in ClinVar:

NM_004360.5(CDH1):c.413A>G (p.Glu138Gly)

Gene: CDH1 (cadherin 1; plus strand). Cytogenetic location: 16q22.1.
Variant type: single nucleotide variant.
Coding change: c.413A>G on transcript NM_004360.5 (MANE Select); coding-DNA position 413, A replaced by G.
Protein change: p.Glu138Gly; replaces glutamic acid 138 with glycine.
Molecular consequence: missense variant. On other transcripts: 5 prime UTR variant (2).
Genome position (GRCh38, 1-based): chr16:68,808,449, A>G. VCF-style: chr16-68808449-A-G. GRCh37 (hg19) VCF-style: chr16-68842352-A-G.
Other names: c.413A>G (LRG_301t1); c.413A>G, p.Glu138Gly (NM_001317184.2); c.-1203A>G (NM_001317185.2); c.-1407A>G (NM_001317186.2); short protein forms E138G.
Identifiers: ClinVar variation 219863 (VCV000219863.13), dbSNP rs864622284, ClinGen allele CA349332.

ClinVar aggregate classification (germline): Uncertain significance. Review status: criteria provided, multiple submitters, no conflicts (2 of 4 stars). 3 submissions from 3 submitters: Uncertain significance (3). Last evaluated 2025-12-08.

Conditions:
Hereditary cancer-predisposing syndrome. Also called: Tumor predisposition; Hereditary neoplastic syndrome; Neoplastic Syndromes, Hereditary; Hereditary Cancer Syndrome. Identifiers: Orphanet 140162, MedGen C0027672, MeSH D009386, MONDO:0015356.
Hereditary diffuse gastric adenocarcinoma (HDGC). Also called: DIFFUSE GASTRIC AND LOBULAR BREAST CANCER SYNDROME. Identifiers: Orphanet 26106, MedGen C1708349, MONDO:0007648, OMIM 137215.
Familial cancer of breast. Also called: hereditary breast carcinoma; Hereditary breast cancer; BREAST CANCER, FAMILIAL. Identifiers: Orphanet 227535, MedGen C0346153, MONDO:0016419, OMIM 114480. Disease mechanism: loss of function.

gnomAD v4.1: 1 of 1,614,142 alleles (0.000062%); no homozygotes.

Submissions (3):

Ambry Genetics
Classification: Uncertain significance for Hereditary cancer-predisposing syndrome. Last evaluated: 2025-12-08. Review status: criteria provided, single submitter. Criteria: Ambry Variant Classification Scheme 2023. Collection method: clinical testing. Allele origin: germline.

Labcorp Genetics (formerly Invitae), Labcorp
Classification: Uncertain significance for Hereditary diffuse gastric adenocarcinoma. Last evaluated: 2024-09-19. Review status: criteria provided, single submitter. Criteria: Invitae Variant Classification Sherloc (09022015). Collection method: clinical testing. Allele origin: germline.
Comment: This sequence change replaces glutamic acid, which is acidic and polar, with glycine, which is neutral and non-polar, at codon 138 of the CDH1 protein (p.Glu138Gly). This variant is not present in population databases (gnomAD no frequency). This variant has not been reported in the literature in individuals affected with CDH1-related conditions. ClinVar contains an entry for this variant (Variation ID: 219863). An algorithm developed to predict the effect of missense changes on protein structure and function (PolyPhen-2) suggests that this variant is likely to be tolerated. In summary, the available evidence is currently insufficient to determine the role of this variant in disease. Therefore, it has been classified as a Variant of Uncertain Significance.

Baylor Genetics
Classification: Uncertain significance for Familial cancer of breast. Last evaluated: 2024-03-11. Review status: criteria provided, single submitter. Criteria: ACMG Guidelines, 2015. Collection method: clinical testing. Allele origin: unknown.